The following is an entry in ClinVar:

ClinVar aggregate classification (germline): Uncertain significance. Review status: criteria provided, multiple submitters, no conflicts (2 of 4 stars). 2 submissions from 2 submitters: Uncertain significance (2). Last evaluated 2023-08-16.

Allele frequency attached by ClinVar (database versions not stated): TOPMed 0.00001; gnomAD exomes below 0.00001.
gnomAD v4.1: 5 of 1,572,066 alleles (0.00032%); highest among the groups gnomAD compares: East Asian, 0.0024%; no homozygotes.

Submissions (2):

GeneDx
Classification: Uncertain significance. Last evaluated: 2023-08-16. Review status: criteria provided, single submitter. Criteria: GeneDx Variant Classification Process June 2021. Collection method: clinical testing. Allele origin: germline. Affected: yes.
Comment: Not observed at significant frequency in large population cohorts (gnomAD); In silico analysis supports that this missense variant does not alter protein structure/function; Has not been previously published as pathogenic or benign to our knowledge

Labcorp Genetics (formerly Invitae), Labcorp
Classification: Uncertain significance. Last evaluated: 2022-03-09. Review status: criteria provided, single submitter. Criteria: Invitae Variant Classification Sherloc (09022015). Collection method: clinical testing. Allele origin: germline.
Comment: This sequence change replaces proline, which is neutral and non-polar, with serine, which is neutral and polar, at codon 1781 of the PCDH15 protein (p.Pro1781Ser). The frequency data for this variant in the population databases is considered unreliable, as metrics indicate poor data quality at this position in the gnomAD database. This variant has not been reported in the literature in individuals affected with PCDH15-related conditions. Algorithms developed to predict the effect of missense changes on protein structure and function output the following: SIFT: "Tolerated"; PolyPhen-2: "Not Available"; Align-GVGD: "Class C0". The serine amino acid residue is found in multiple mammalian species, which suggests that this missense change does not adversely affect protein function. In summary, the available evidence is currently insufficient to determine the role of this variant in disease. Therefore, it has been classified as a Variant of Uncertain Significance.

NM_033056.4(PCDH15):c.5341C>T (p.Pro1781Ser)

Gene: PCDH15 (protocadherin related 15; minus strand). Cytogenetic location: 10q21.1.
Variant type: single nucleotide variant.
Coding change: c.5341C>T on transcript NM_033056.4 (MANE Plus Clinical); coding-DNA position 5341, C replaced by T.
Protein change: p.Pro1781Ser; replaces proline 1781 with serine.
Molecular consequence: missense variant. On other transcripts: intron variant (8).
Genome position (GRCh38, 1-based): chr10:53,822,385, G>A on the plus strand (C>T on the coding strand, the complement: PCDH15 is on the minus strand). VCF-style: chr10-53822385-G-A. GRCh37 (hg19) VCF-style: chr10-55582145-G-A.
Other names: c.5362C>T, p.Pro1788Ser (NM_001142763.2); c.5347C>T, p.Pro1783Ser (NM_001142764.2); c.5134C>T, p.Pro1712Ser (NM_001142765.2); c.5332C>T, p.Pro1778Ser (NM_001142766.2); c.5221C>T, p.Pro1741Ser (NM_001142767.2); c.5281C>T, p.Pro1761Ser (NM_001142768.2); c.5272C>T, p.Pro1758Ser (NM_001142773.2); c.5275C>T, p.Pro1759Ser (NM_001354404.2); and 7 more; short protein forms P1759S, P1778S, P1781S, P1788S, P1758S, P1761S, P1783S, P1712S.
Identifiers: ClinVar variation 1922933 (VCV001922933.3), dbSNP rs938596168, ClinGen allele CA207219105.